The following is an entry in ClinVar:

NM_001372106.1(DNAH10):c.8970G>A (p.Glu2990=)

Gene: DNAH10 (dynein axonemal heavy chain 10; plus strand). Cytogenetic location: 12q24.31.
Variant type: single nucleotide variant.
Coding change: c.8970G>A on transcript NM_001372106.1 (MANE Select); coding-DNA position 8970, G replaced by A.
Protein change: p.Glu2990=; no amino-acid change (glutamic acid 2990 retained).
Molecular consequence: synonymous variant.
Genome position (GRCh38, 1-based): chr12:123,887,288, G>A. VCF-style: chr12-123887288-G-A. GRCh37 (hg19) VCF-style: chr12-124371835-G-A.
Other names: c.8616G>A, p.Glu2872= (NM_207437.3).
Identifiers: ClinVar variation 720822 (VCV000720822.9), dbSNP rs142087355, ClinGen allele CA6864909.

ClinVar aggregate classification (germline): Benign/Likely benign. Review status: criteria provided, multiple submitters, no conflicts (2 of 4 stars). 3 submissions from 3 submitters: Benign (1); Likely benign (2). Last evaluated 2026-03-01.

Allele frequency attached by ClinVar (database versions not stated): ESP Exome Variant Server 0.00195; 1000 Genomes Project 30x 0.00203; ExAC 0.00217; 1000 Genomes Project 0.00220; TOPMed 0.00240.
gnomAD v4.1: 5,626 of 1,613,812 alleles (0.35%); highest among the groups gnomAD compares: Non-Finnish European, 0.43%; 23 homozygotes.

Submissions (3):

CeGaT Center for Human Genetics Tuebingen
Classification: Likely benign. Last evaluated: 2026-03-01. Review status: criteria provided, single submitter. Criteria: CeGaT Center For Human Genetics Tuebingen Variant Classification Criteria Version 2. Collection method: clinical testing. Allele origin: germline. Affected: yes. Observed: 2 variant alleles.
Comment: DNAH10: BP4, BP7, BS2

Blueprint Genetics
Classification: Likely benign. Last evaluated: 2024-09-13. Review status: criteria provided, single submitter. Criteria: ACMG Guidelines, 2015. Collection method: clinical testing. Allele origin: germline.

Labcorp Genetics (formerly Invitae), Labcorp
Classification: Benign. Last evaluated: 2019-12-31. Review status: criteria provided, single submitter. Criteria: Invitae Variant Classification Sherloc (09022015). Collection method: clinical testing. Allele origin: germline.